The following is an entry in ClinVar:

ClinVar aggregate classification (germline): Uncertain significance. Review status: criteria provided, multiple submitters, no conflicts (2 of 4 stars). 2 submissions from 2 submitters: Uncertain significance (2). Last evaluated 2024-05-06.

Conditions:
Hereditary cancer-predisposing syndrome. Also called: Hereditary Cancer Syndrome; Hereditary neoplastic syndrome; Neoplastic Syndromes, Hereditary; Tumor predisposition. Identifiers: Orphanet 140162, MedGen C0027672, MeSH D009386, MONDO:0015356.

gnomAD v4.1: 1 of 1,614,160 alleles (0.000062%); highest among the groups gnomAD compares: Middle Eastern, 0.016%; no homozygotes.

Submissions (2):

Labcorp Genetics (formerly Invitae), Labcorp
Classification: Uncertain significance. Last evaluated: 2024-05-06. Review status: criteria provided, single submitter. Criteria: Invitae Variant Classification Sherloc (09022015). Collection method: clinical testing. Allele origin: germline.
Comment: This sequence change replaces cysteine, which is neutral and slightly polar, with serine, which is neutral and polar, at codon 727 of the POLE protein (p.Cys727Ser). This variant is not present in population databases (gnomAD no frequency). This variant has not been reported in the literature in individuals affected with POLE-related conditions. ClinVar contains an entry for this variant (Variation ID: 405739). Advanced modeling of protein sequence and biophysical properties (such as structural, functional, and spatial information, amino acid conservation, physicochemical variation, residue mobility, and thermodynamic stability) performed at Invitae indicates that this missense variant is not expected to disrupt POLE protein function with a negative predictive value of 80%. In summary, the available evidence is currently insufficient to determine the role of this variant in disease. Therefore, it has been classified as a Variant of Uncertain Significance.

Ambry Genetics
Classification: Uncertain significance for Hereditary cancer-predisposing syndrome. Last evaluated: 2023-05-21. Review status: criteria provided, single submitter. Criteria: Ambry Variant Classification Scheme 2023. Collection method: clinical testing. Allele origin: germline.
Comment: The p.C727S variant (also known as c.2179T>A), located in coding exon 20 of the POLE gene, results from a T to A substitution at nucleotide position 2179. The cysteine at codon 727 is replaced by serine, an amino acid with dissimilar properties. This amino acid position is conserved. In addition, the in silico prediction for this alteration is inconclusive. Since supporting evidence is limited at this time, the clinical significance of this alteration remains unclear.

NM_006231.4(POLE):c.2179T>A (p.Cys727Ser)

Gene: POLE (DNA polymerase epsilon, catalytic subunit; minus strand). Cytogenetic location: 12q24.33.
Variant type: single nucleotide variant.
Coding change: c.2179T>A on transcript NM_006231.4 (MANE Select); coding-DNA position 2179, T replaced by A.
Protein change: p.Cys727Ser; replaces cysteine 727 with serine.
Molecular consequence: missense variant.
Genome position (GRCh38, 1-based): chr12:132,667,643, A>T on the plus strand (T>A on the coding strand, the complement: POLE is on the minus strand). VCF-style: chr12-132667643-A-T. GRCh37 (hg19) VCF-style: chr12-133244229-A-T.
Other names: c.2179T>A (NM_006231.2); short protein forms C727S.
Identifiers: ClinVar variation 405739 (VCV000405739.10), dbSNP rs1060500832, ClinGen allele CA16613948.